The following is an entry in ClinVar:

ClinVar aggregate classification (germline): Uncertain significance (1 of 4 stars; one submission).

Conditions:
Nemaline myopathy 2 (NEM2). Also called: Nemaline myopathy 2, autosomal recessive. Identifiers: MedGen C1850569, MONDO:0009725, OMIM 256030.

Submission:

Labcorp Genetics (formerly Invitae), Labcorp
Classification: Uncertain significance for Nemaline myopathy 2. Last evaluated: 2023-08-04. Review status: criteria provided, single submitter. Criteria: Invitae Variant Classification Sherloc (09022015). Collection method: clinical testing. Allele origin: germline.
Comment: In summary, the available evidence is currently insufficient to determine the role of this variant in disease. Therefore, it has been classified as a Variant of Uncertain Significance. Variants that disrupt the consensus splice site are a relatively common cause of aberrant splicing (PMID: 17576681, 9536098). Algorithms developed to predict the effect of sequence changes on RNA splicing suggest that this variant may create or strengthen a splice site. ClinVar contains an entry for this variant (Variation ID: 1995627). This variant has not been reported in the literature in individuals affected with NEB-related conditions. The frequency data for this variant in the population databases (gnomAD) is considered unreliable due to the presence of homologous sequence, such as pseudogenes or paralogs, in the genome. This sequence change falls in intron 82 of the NEB gene. It does not directly change the encoded amino acid sequence of the NEB protein. It affects a nucleotide within the consensus splice site. This variant occurs in a region of NEB (Exons 82-105) consisting of three highly homologous 8-exon repeat units (exons 82-89, exons 90-97, exons 98-105). Sequence variants in this region can be detected, but this assay cannot determine which of the three repeat units is affected, and zygosity is often ambiguous. All variants in this region are reported relative to the exon 82-89 repeat.

Literature cited by the submitters: PubMed 17576681; PubMed 9536098.

NM_001164508.2(NEB):c.12534+3A>C

Gene: NEB (nebulin; minus strand). Cytogenetic location: 2q23.3.
Variant type: single nucleotide variant.
Coding change: c.12534+3A>C on transcript NM_001164508.2 (MANE Select); 3 bases into the intron after coding-DNA position 12534, A replaced by C.
Molecular consequence: intron variant.
Genome position (GRCh38, 1-based): chr2:151,608,470, T>G on the plus strand (A>C on the coding strand, the complement: NEB is on the minus strand). VCF-style: chr2-151608470-T-G. GRCh37 (hg19) VCF-style: chr2-152464984-T-G.
Other names: c.11601+1339A>C (NM_004543.5); c.12534+3A>C (NM_001164507.2, NM_001271208.2).
Identifiers: ClinVar variation 1995627 (VCV001995627.4), dbSNP rs2097772131, ClinGen allele CA2580064103.